The following is an entry in ClinVar:

ClinVar aggregate classification (germline): Uncertain significance (1 of 4 stars; one submission).

Submission:

Ambry Genetics
Classification: Uncertain significance. Last evaluated: 2022-05-04. Review status: criteria provided, single submitter. Criteria: Ambry Variant Classification Scheme 2023. Collection method: clinical testing. Allele origin: germline.
Comment: The p.R346S variant (also known as c.1038G>T), located in coding exon 3 of the ALPK2 gene, results from a G to T substitution at nucleotide position 1038. The arginine at codon 346 is replaced by serine, an amino acid with dissimilar properties. This amino acid position is conserved. In addition, this alteration is predicted to be tolerated by in silico analysis. Since supporting evidence is limited at this time, the clinical significance of this alteration remains unclear.

NM_052947.4(ALPK2):c.1038G>T (p.Arg346Ser)

Genes: ALPK2 (alpha kinase 2; minus strand), LOC114803473 (ALPK2 eExon liver enhancer; plus strand). Cytogenetic location: 18q21.31.
Variant type: single nucleotide variant.
Coding change: c.1038G>T on transcript NM_052947.4 (MANE Select); coding-DNA position 1038, G replaced by T.
Protein change: p.Arg346Ser; replaces arginine 346 with serine.
Molecular consequence: missense variant.
Genome position (GRCh38, 1-based): chr18:58,579,738, C>A on the plus strand (G>T on the coding strand, the complement: ALPK2 is on the minus strand). VCF-style: chr18-58579738-C-A. GRCh37 (hg19) VCF-style: chr18-56246970-C-A.
Other names: short protein forms R346S.
Identifiers: ClinVar variation 1773273 (VCV001773273.2), dbSNP rs2518899544, ClinGen allele CA402564991.
Genomic context (GRCh38, chr18:58,579,738, plus strand): 5'-GAATTCCATCTCTTCGTCATCGCTTTCTAATAAAAAAACATGCTCAGTCCCCAGCAGGTT[C>A]CTTTGCCAAACTGCATTAGAGTAATCCGTCATAACATCAGAACATTCCAGATACTCCAGG-3'
Protein context (NP_443179.3, residues 336-356): MTDYSNAVWQ[Arg346Ser]NLLGTEHVFL